The following is an entry in ClinVar:

NM_021813.4(BACH2):c.2160C>T (p.Pro720=)

Gene: BACH2 (BACH transcriptional regulator 2; minus strand). Cytogenetic location: 6q15.
Variant type: single nucleotide variant.
Coding change: c.2160C>T on transcript NM_021813.4 (MANE Select); coding-DNA position 2160, C replaced by T.
Protein change: p.Pro720=; no amino-acid change (proline 720 retained).
Molecular consequence: synonymous variant.
Genome position (GRCh38, 1-based): chr6:89,932,774, G>A on the plus strand (C>T on the coding strand, the complement: BACH2 is on the minus strand). VCF-style: chr6-89932774-G-A. GRCh37 (hg19) VCF-style: chr6-90642493-G-A.
Other names: p.Pro720=; c.2160C>T, p.Pro720= (NM_001170794.2).
Identifiers: ClinVar variation 1167841 (VCV001167841.10), dbSNP rs72923904, ClinGen allele CA3927853.

ClinVar aggregate classification (germline): Benign. Review status: criteria provided, multiple submitters, no conflicts (2 of 4 stars). 2 submissions from 2 submitters: Benign (2). Last evaluated 2026-02-02.

Allele frequency attached by ClinVar (database versions not stated): 1000 Genomes Project 0.00739; 1000 Genomes Project 30x 0.00750; gnomAD 0.01732 and 0.01776; TOPMed 0.01770; ExAC 0.01918; gnomAD exomes 0.01939; ESP Exome Variant Server 0.02245.
gnomAD v4.1: 43,805 of 1,613,862 alleles (2.7%); highest among the groups gnomAD compares: Non-Finnish European, 3.1%; 730 homozygotes.

Submissions (2):

Labcorp Genetics (formerly Invitae), Labcorp
Classification: Benign. Last evaluated: 2026-02-02. Review status: criteria provided, single submitter. Criteria: Invitae Variant Classification Sherloc (09022015). Collection method: clinical testing. Allele origin: germline.

Mayo Clinic Laboratories, Mayo Clinic
Classification: Benign. Last evaluated: 2024-07-23. Review status: criteria provided, single submitter. Criteria: ACMG Guidelines, 2015. Collection method: clinical testing. Allele origin: germline. Observed: 9 variant alleles.
Comment: BS1, BS2, BP4, BP7